The following is an entry in ClinVar:

ClinVar aggregate classification (germline): Uncertain significance. Review status: criteria provided, multiple submitters, no conflicts (2 of 4 stars). 2 submissions from 2 submitters: Uncertain significance (2). Last evaluated 2025-09-04.

Allele frequency attached by ClinVar (database versions not stated): ExAC 0.00002; TOPMed 0.00008; gnomAD 0.00010; 1000 Genomes Project 30x 0.00016; 1000 Genomes Project 0.00020.
gnomAD v4.1: 24 of 1,614,042 alleles (0.0015%); highest among the groups gnomAD compares: African/African-American, 0.032%; no homozygotes.

Submissions (2):

Ambry Genetics
Classification: Uncertain significance. Last evaluated: 2025-09-04. Review status: criteria provided, single submitter. Criteria: Ambry Variant Classification Scheme 2023. Collection method: clinical testing. Allele origin: germline.

Labcorp Genetics (formerly Invitae), Labcorp
Classification: Uncertain significance. Last evaluated: 2024-07-31. Review status: criteria provided, single submitter. Criteria: Invitae Variant Classification Sherloc (09022015). Collection method: clinical testing. Allele origin: germline.
Comment: This sequence change replaces glutamine, which is neutral and polar, with proline, which is neutral and non-polar, at codon 418 of the RFWD3 protein (p.Gln418Pro). This variant is present in population databases (rs544324816, gnomAD 0.03%). This variant has not been reported in the literature in individuals affected with RFWD3-related conditions. An algorithm developed to predict the effect of missense changes on protein structure and function outputs the following: PolyPhen-2: "Benign". The proline amino acid residue is found in multiple mammalian species, which suggests that this missense change does not adversely affect protein function. In summary, the available evidence is currently insufficient to determine the role of this variant in disease. Therefore, it has been classified as a Variant of Uncertain Significance.

NM_018124.4(RFWD3):c.1253A>C (p.Gln418Pro)

Gene: RFWD3 (ring finger and WD repeat domain 3; minus strand). Cytogenetic location: 16q23.1.
Variant type: single nucleotide variant.
Coding change: c.1253A>C on transcript NM_018124.4 (MANE Select); coding-DNA position 1253, A replaced by C.
Protein change: p.Gln418Pro; replaces glutamine 418 with proline.
Molecular consequence: missense variant.
Genome position (GRCh38, 1-based): chr16:74,636,519, T>G on the plus strand (A>C on the coding strand, the complement: RFWD3 is on the minus strand). VCF-style: chr16-74636519-T-G. GRCh37 (hg19) VCF-style: chr16-74670417-T-G.
Other names: c.1253A>C (NM_018124.3); c.1253A>C, p.Gln418Pro (NM_001370534.1, NM_001370535.1, NM_001370536.1); c.419A>C, p.Gln140Pro (NM_001370537.1, NM_001370539.1, NM_001370540.1 and 3 more transcripts); short protein forms Q140P, Q418P.
Identifiers: ClinVar variation 2890253 (VCV002890253.4), dbSNP rs544324816, ClinGen allele CA8169265.